The following is an entry in ClinVar:

ClinVar aggregate classification (germline): Benign/Likely benign. Review status: criteria provided, multiple submitters, no conflicts (2 of 4 stars). 6 submissions from 6 submitters: Benign (4); Likely benign (2). Last evaluated 2026-01-27.

Conditions:
Primary ciliary dyskinesia 20. Also called: CILIARY DYSKINESIA, PRIMARY, 20, WITH OR WITHOUT SITUS INVERSUS. Identifiers: Orphanet 244, MedGen C3540844, MONDO:0014030, OMIM 615067.
Primary ciliary dyskinesia. Also called: Ciliary dyskinesia. Identifiers: Orphanet 244, MedGen C0008780, MONDO:0016575, HP:0012265.

Allele frequency attached by ClinVar (database versions not stated): gnomAD exomes 0.00085 and 0.00212; ExAC 0.00247; 1000 Genomes Project 0.00719; 1000 Genomes Project 30x 0.00765; gnomAD 0.00808 and 0.00870; TOPMed 0.00939; ESP Exome Variant Server 0.00973.
gnomAD v4.1: 2,532 of 1,604,192 alleles (0.16%); highest among the groups gnomAD compares: African/African-American, 2.9%; 41 homozygotes.

Submissions (6):

Labcorp Genetics (formerly Invitae), Labcorp
Classification: Benign for Primary ciliary dyskinesia. Last evaluated: 2026-01-27. Review status: criteria provided, single submitter. Criteria: Invitae Variant Classification Sherloc (09022015). Collection method: clinical testing. Allele origin: germline.

GeneDx
Classification: Likely benign. Last evaluated: 2024-07-02. Review status: criteria provided, single submitter. Criteria: GeneDx Variant Classification Process June 2021. Collection method: clinical testing. Allele origin: germline. Affected: yes.
Comment: See Variant Classification Assertion Criteria.

ARUP Laboratories, Molecular Genetics and Genomics, ARUP Laboratories
Classification: Benign for Primary ciliary dyskinesia 20. Last evaluated: 2023-08-21. Review status: criteria provided, single submitter. Criteria: ARUP Molecular Germline Variant Investigation Process 2024. Collection method: clinical testing. Allele origin: germline.

Ambry Genetics
Classification: Benign for Primary ciliary dyskinesia. Last evaluated: 2017-03-13. Review status: criteria provided, single submitter. Criteria: Ambry Variant Classification Scheme 2023. Collection method: clinical testing. Allele origin: germline.

Breakthrough Genomics
Classification: Likely benign. Review status: criteria provided, single submitter. Criteria: ACMG Guidelines, 2015. Collection method: not provided. Allele origin: germline. Inheritance: Autosomal recessive inheritance. Affected: yes.

PreventionGenetics, part of Exact Sciences
Classification: Benign. Review status: criteria provided, single submitter. Criteria: ACMG Guidelines, 2015. Collection method: clinical testing. Allele origin: germline.

NM_001364171.2(ODAD1):c.1672G>A (p.Ala558Thr)

Gene: ODAD1 (outer dynein arm docking complex subunit 1; minus strand). Cytogenetic location: 19q13.33.
Variant type: single nucleotide variant.
Coding change: c.1672G>A on transcript NM_001364171.2 (MANE Select); coding-DNA position 1672, G replaced by A.
Protein change: p.Ala558Thr; replaces alanine 558 with threonine.
Molecular consequence: missense variant.
Genome position (GRCh38, 1-based): chr19:48,297,428, C>T on the plus strand (G>A on the coding strand, the complement: ODAD1 is on the minus strand). VCF-style: chr19-48297428-C-T. GRCh37 (hg19) VCF-style: chr19-48800685-C-T.
Other names: c.1561G>A, p.Ala521Thr (NM_144577.4); short protein forms A521T, A558T.
Identifiers: ClinVar variation 262493 (VCV000262493.19), dbSNP rs115124604, ClinGen allele CA9548587.